The following is an entry in ClinVar:

ClinVar aggregate classification (germline): Uncertain significance (1 of 4 stars; one submission).

gnomAD v4.1: 3 of 1,613,844 alleles (0.00019%); highest among the groups gnomAD compares: Non-Finnish European, 0.00017%; no homozygotes.

Submission:

CeGaT Center for Human Genetics Tuebingen
Classification: Uncertain significance. Last evaluated: 2025-01-01. Review status: criteria provided, single submitter. Criteria: CeGaT Center For Human Genetics Tuebingen Variant Classification Criteria Version 2. Collection method: clinical testing. Allele origin: germline. Affected: yes. Observed: 1 variant allele.
Comment: VCAN: PM2, BP4

NM_004385.5(VCAN):c.1994T>C (p.Val665Ala)

Gene: VCAN (versican; plus strand). Cytogenetic location: 5q14.3.
Variant type: single nucleotide variant.
Coding change: c.1994T>C on transcript NM_004385.5 (MANE Select); coding-DNA position 1994, T replaced by C.
Protein change: p.Val665Ala; replaces valine 665 with alanine.
Molecular consequence: missense variant. On other transcripts: intron variant (2).
Genome position (GRCh38, 1-based): chr5:83,520,300, T>C. VCF-style: chr5-83520300-T-C. GRCh37 (hg19) VCF-style: chr5-82816119-T-C.
Other names: c.1994T>C, p.Val665Ala (NM_001164098.2); c.1042+7904T>C (NM_001164097.2, NM_001126336.3); short protein forms V665A.
Identifiers: ClinVar variation 3771927 (VCV003771927.13).